The following is an entry in ClinVar:

ClinVar aggregate classification (germline): Uncertain significance (1 of 4 stars; one submission).

Conditions:
ALG9 congenital disorder of glycosylation (CDG1L). Also called: CONGENITAL DISORDER OF GLYCOSYLATION, TYPE Il; CDG Il; ALG9-CDG. Identifiers: Orphanet 79328, MedGen C2931006, MONDO:0012117, OMIM 608776.

Allele frequency attached by ClinVar (database versions not stated): gnomAD 0.00001.
gnomAD v4.1: 1 of 1,614,070 alleles (0.000062%); highest among the groups gnomAD compares: Admixed American, 0.0017%; no homozygotes.

Submission:

Labcorp Genetics (formerly Invitae), Labcorp
Classification: Uncertain significance for ALG9 congenital disorder of glycosylation. Last evaluated: 2020-06-29. Review status: criteria provided, single submitter. Criteria: Invitae Variant Classification Sherloc (09022015). Collection method: clinical testing. Allele origin: germline.
Comment: In summary, the available evidence is currently insufficient to determine the role of this variant in disease. Therefore, it has been classified as a Variant of Uncertain Significance. Algorithms developed to predict the effect of missense changes on protein structure and function (SIFT, PolyPhen-2, Align-GVGD) all suggest that this variant is likely to be tolerated, but these predictions have not been confirmed by published functional studies and their clinical significance is uncertain. This variant has not been reported in the literature in individuals with ATP6V0A2-related conditions. This variant is not present in population databases (ExAC no frequency). This sequence change replaces leucine with valine at codon 478 of the ATP6V0A2 protein (p.Leu478Val). The leucine residue is weakly conserved and there is a small physicochemical difference between leucine and valine.

NM_012463.4(ATP6V0A2):c.1432C>G (p.Leu478Val)

Gene: ATP6V0A2 (ATPase H+ transporting V0 subunit a2; plus strand). Cytogenetic location: 12q24.31.
Variant type: single nucleotide variant.
Coding change: c.1432C>G on transcript NM_012463.4 (MANE Select); coding-DNA position 1432, C replaced by G.
Protein change: p.Leu478Val; replaces leucine 478 with valine.
Molecular consequence: missense variant.
Genome position (GRCh38, 1-based): chr12:123,744,702, C>G. VCF-style: chr12-123744702-C-G. GRCh37 (hg19) VCF-style: chr12-124229249-C-G.
Other names: short protein forms L478V.
Identifiers: ClinVar variation 1018949 (VCV001018949.8), dbSNP rs1193899105, ClinGen allele CA387157757.